The following is an entry in ClinVar:

ClinVar aggregate classification (germline): Uncertain significance (1 of 4 stars; one submission).

Allele frequency attached by ClinVar (database versions not stated): TOPMed 0.00001; gnomAD exomes 0.00002 and 0.00004; ExAC 0.00004.
gnomAD v4.1: 11 of 1,612,454 alleles (0.00068%); highest among the groups gnomAD compares: Admixed American, 0.018%; no homozygotes.

Submission:

Labcorp Genetics (formerly Invitae), Labcorp
Classification: Uncertain significance. Last evaluated: 2024-02-24. Review status: criteria provided, single submitter. Criteria: Invitae Variant Classification Sherloc (09022015). Collection method: clinical testing. Allele origin: germline.
Comment: This sequence change replaces glycine, which is neutral and non-polar, with serine, which is neutral and polar, at codon 872 of the ANK3 protein (p.Gly872Ser). This variant also falls at the last nucleotide of exon 23, which is part of the consensus splice site for this exon. This variant is present in population databases (rs769387111, gnomAD 0.03%). This variant has not been reported in the literature in individuals affected with ANK3-related conditions. ClinVar contains an entry for this variant (Variation ID: 1370425). An algorithm developed to predict the effect of missense changes on protein structure and function (PolyPhen-2) suggests that this variant is likely to be disruptive. Variants that disrupt the consensus splice site are a relatively common cause of aberrant splicing (PMID: 17576681, 9536098). Algorithms developed to predict the effect of sequence changes on RNA splicing suggest that this variant may disrupt the consensus splice site. In summary, the available evidence is currently insufficient to determine the role of this variant in disease. Therefore, it has been classified as a Variant of Uncertain Significance.

Literature cited by the submitters: PubMed 17576681; PubMed 9536098.

NM_020987.5(ANK3):c.2614G>A (p.Gly872Ser)

Gene: ANK3 (ankyrin 3; minus strand). Cytogenetic location: 10q21.2.
Variant type: single nucleotide variant.
Coding change: c.2614G>A on transcript NM_020987.5 (MANE Select); coding-DNA position 2614, G replaced by A.
Protein change: p.Gly872Ser; replaces glycine 872 with serine.
Molecular consequence: missense variant.
Genome position (GRCh38, 1-based): chr10:60,166,591, C>T on the plus strand (G>A on the coding strand, the complement: ANK3 is on the minus strand). VCF-style: chr10-60166591-C-T. GRCh37 (hg19) VCF-style: chr10-61926349-C-T.
Other names: c.2596G>A, p.Gly866Ser (NM_001204403.2); c.2563G>A, p.Gly855Ser (NM_001204404.2); c.2614G>A, p.Gly872Ser (NM_001320874.2); short protein forms G866S, G855S, G872S.
Identifiers: ClinVar variation 1370425 (VCV001370425.6), dbSNP rs769387111, ClinGen allele CA5512756.